The following is an entry in ClinVar:

NM_015310.4(PSD3):c.1024C>T (p.Arg342Cys)

Gene: PSD3 (pleckstrin and Sec7 domain containing 3; minus strand). Cytogenetic location: 8p22.
Variant type: single nucleotide variant.
Coding change: c.1024C>T on transcript NM_015310.4 (MANE Select); coding-DNA position 1024, C replaced by T.
Protein change: p.Arg342Cys; replaces arginine 342 with cysteine.
Molecular consequence: missense variant.
Genome position (GRCh38, 1-based): chr8:18,871,840, G>A on the plus strand (C>T on the coding strand, the complement: PSD3 is on the minus strand). VCF-style: chr8-18871840-G-A. GRCh37 (hg19) VCF-style: chr8-18729350-G-A.
Other names: c.925C>T, p.Arg309Cys (NM_001362819.2); short protein forms R309C, R342C.
Identifiers: ClinVar variation 774199 (VCV000774199.6), dbSNP rs146066561, ClinGen allele CA4652620.
Genomic context (GRCh38, chr8:18,871,840, plus strand): 5'-CCCAAACATTCTCAGTTAAACTACTTGAATTACACAAACCAGCTGATGAGATGAGATGGC[G>A]TGGCACTTTGGAAGACTCTTTGCTGTCAGGAGAGGCTGTTCTTTGCAGTGATGTCTCAAA-3'
Protein context (NP_056125.3, residues 332-352): PDSKESSKVP[Arg342Cys]HLISSAGLCN

ClinVar aggregate classification (germline): Likely benign. Review status: criteria provided, multiple submitters, no conflicts (2 of 4 stars). 3 submissions from 3 submitters: Likely benign (2). 1 of the submissions does not count toward it. Last evaluated 2018-06-29.

Conditions:
PSD3-related disorder. Also called: PSD3-related condition.

Allele frequency attached by ClinVar (database versions not stated): TOPMed 0.00145; gnomAD 0.00148; ESP Exome Variant Server 0.00160; gnomAD exomes 0.00160 and 0.00190; ExAC 0.00166; 1000 Genomes Project 0.00200; 1000 Genomes Project 30x 0.00219.
gnomAD v4.1: 3,021 of 1,614,204 alleles (0.19%); highest among the groups gnomAD compares: Middle Eastern, 0.74%; 3 homozygotes.

Submissions (3):

Labcorp Genetics (formerly Invitae), Labcorp
Classification: Likely benign. Last evaluated: 2018-06-29. Review status: criteria provided, single submitter. Criteria: Invitae Variant Classification Sherloc (09022015). Collection method: clinical testing. Allele origin: germline.

Breakthrough Genomics
Classification: Likely benign. Review status: criteria provided, single submitter. Criteria: ACMG Guidelines, 2015. Collection method: not provided. Allele origin: germline. Inheritance: Unknown mechanism. Affected: yes.

PreventionGenetics, part of Exact Sciences
Classification: Likely benign for PSD3-related condition. Last evaluated: 2022-02-16. Review status: no assertion criteria provided. Collection method: clinical testing. Allele origin: germline. Not counted in ClinVar's aggregate classification.
Comment: This variant is classified as likely benign based on ACMG/AMP sequence variant interpretation guidelines (Richards et al. 2015 PMID: 25741868, with internal and published modifications).